The following is an entry in ClinVar:

NM_020843.4(SCAPER):c.3109T>C (p.Leu1037=)

Genes: SCAPER (S-phase cyclin A associated protein in the ER; minus strand), LOC126862183 (BRD4-independent group 4 enhancer GRCh37_chr15:76726060-76727259; plus strand). Cytogenetic location: 15q24.3.
Variant type: single nucleotide variant.
Coding change: c.3109T>C on transcript NM_020843.4 (MANE Select); coding-DNA position 3109, T replaced by C.
Protein change: p.Leu1037=; no amino-acid change (leucine 1037 retained).
Molecular consequence: synonymous variant. On other transcripts: non-coding transcript variant (1).
Genome position (GRCh38, 1-based): chr15:76,434,280, A>G on the plus strand (T>C on the coding strand, the complement: SCAPER is on the minus strand). VCF-style: chr15-76434280-A-G. GRCh37 (hg19) VCF-style: chr15-76726621-A-G.
Other names: c.2371T>C, p.Leu791= (NM_001145923.2); c.3127T>C, p.Leu1043= (NM_001353009.2); c.2707T>C, p.Leu903= (NM_001353010.2, NM_001353012.2); c.2725T>C, p.Leu909= (NM_001353011.2); c.3127T>C (NM_001353009.1).
Identifiers: ClinVar variation 756322 (VCV000756322.5), dbSNP rs199586634, ClinGen allele CA7674515.

ClinVar aggregate classification (germline): Likely benign. Review status: criteria provided, multiple submitters, no conflicts (2 of 4 stars). 3 submissions from 3 submitters: Likely benign (3). Last evaluated 2024-11-15.

Conditions:
SCAPER-related disorder. Also called: SCAPER-related condition.

Allele frequency attached by ClinVar (database versions not stated): gnomAD 0.00006; ExAC 0.00007; gnomAD exomes 0.00008 and 0.00013; TOPMed 0.00008.
gnomAD v4.1: 200 of 1,612,456 alleles (0.012%); highest among the groups gnomAD compares: Admixed American, 0.017%; no homozygotes.

Submissions (3):

PreventionGenetics, part of Exact Sciences
Classification: Likely benign for SCAPER-related condition. Last evaluated: 2024-11-15. Review status: criteria provided, single submitter. Criteria: ACMG Guidelines, 2015. Collection method: clinical testing. Allele origin: germline.
Comment: This variant is classified as likely benign based on ACMG/AMP sequence variant interpretation guidelines (Richards et al. 2015 PMID: 25741868, with internal and published modifications).

Blueprint Genetics
Classification: Likely benign. Last evaluated: 2022-09-29. Review status: criteria provided, single submitter. Criteria: ACMG Guidelines, 2015. Collection method: clinical testing. Allele origin: germline.

Labcorp Genetics (formerly Invitae), Labcorp
Classification: Likely benign. Last evaluated: 2018-12-01. Review status: criteria provided, single submitter. Criteria: Invitae Variant Classification Sherloc (09022015). Collection method: clinical testing. Allele origin: germline.